The following is an entry in ClinVar:

NM_000379.4(XDH):c.575C>T (p.Ser192Leu)

Gene: XDH (xanthine dehydrogenase; minus strand). Cytogenetic location: 2p23.1.
Variant type: single nucleotide variant.
Coding change: c.575C>T on transcript NM_000379.4 (MANE Select); coding-DNA position 575, C replaced by T.
Protein change: p.Ser192Leu; replaces serine 192 with leucine.
Molecular consequence: missense variant.
Genome position (GRCh38, 1-based): chr2:31,387,887, G>A on the plus strand (C>T on the coding strand, the complement: XDH is on the minus strand). VCF-style: chr2-31387887-G-A. GRCh37 (hg19) VCF-style: chr2-31610753-G-A.
Other names: short protein forms S192L.
Identifiers: ClinVar variation 2193992 (VCV002193992.2), dbSNP rs866837583, ClinGen allele CA346497700.

ClinVar aggregate classification (germline): Uncertain significance. Review status: criteria provided, multiple submitters, no conflicts (2 of 4 stars). 2 submissions from 2 submitters: Uncertain significance (2). Last evaluated 2024-06-24.

Conditions:
Hereditary xanthinuria type 1 (XAN1). Identifiers: Orphanet 3467, Orphanet 93601, MedGen C0268118, MONDO:0010209, OMIM 278300.
Xanthinuria type II. Also called: Xanthine dehydrogenase and aldehyde oxidase combined deficiency of; XDH and AOX dual deficiency. Identifiers: Orphanet 3467, Orphanet 93602, MedGen C1863688, MONDO:0011346, OMIM 603592.

Allele frequency attached by ClinVar (database versions not stated): gnomAD exomes 0.00001; gnomAD 0.00002; TOPMed 0.00002.
gnomAD v4.1: 13 of 1,581,672 alleles (0.00082%); highest among the groups gnomAD compares: Admixed American, 0.015%; no homozygotes.

Submissions (2):

Fulgent Genetics
Classification: Uncertain significance for Hereditary xanthinuria type 1. Last evaluated: 2024-06-24. Review status: criteria provided, single submitter. Criteria: ACMG Guidelines, 2015. Collection method: clinical testing. Allele origin: germline.

Labcorp Genetics (formerly Invitae), Labcorp
Classification: Uncertain significance for Xanthinuria type II. Last evaluated: 2022-03-11. Review status: criteria provided, single submitter. Criteria: Invitae Variant Classification Sherloc (09022015). Collection method: clinical testing. Allele origin: germline.
Comment: This sequence change replaces serine, which is neutral and polar, with leucine, which is neutral and non-polar, at codon 192 of the XDH protein (p.Ser192Leu). The frequency data for this variant in the population databases is considered unreliable, as metrics indicate poor data quality at this position in the gnomAD database. This variant has not been reported in the literature in individuals affected with XDH-related conditions. Algorithms developed to predict the effect of missense changes on protein structure and function output the following: SIFT: "Tolerated"; PolyPhen-2: "Benign"; Align-GVGD: "Class C0". The leucine amino acid residue is found in multiple mammalian species, which suggests that this missense change does not adversely affect protein function. In summary, the available evidence is currently insufficient to determine the role of this variant in disease. Therefore, it has been classified as a Variant of Uncertain Significance.